The following is an entry in ClinVar:

NM_007294.4(BRCA1):c.3184G>A (p.Gly1062Ser)

Gene: BRCA1 (BRCA1 DNA repair associated; minus strand). Cytogenetic location: 17q21.31.
Variant type: single nucleotide variant.
Coding change: c.3184G>A on transcript NM_007294.4 (MANE Select); coding-DNA position 3184, G replaced by A.
Protein change: p.Gly1062Ser; replaces glycine 1062 with serine.
Molecular consequence: missense variant. On other transcripts: intron variant (137).
Genome position (GRCh38, 1-based): chr17:43,092,347, C>T on the plus strand (G>A on the coding strand, the complement: BRCA1 is on the minus strand). VCF-style: chr17-43092347-C-T. GRCh37 (hg19) VCF-style: chr17-41244364-C-T.
Other names: c.2971G>A, p.Gly991Ser (NM_001407571.1, NM_001407853.1, NM_001407894.1 and 9 more transcripts); c.3184G>A, p.Gly1062Ser (NM_001407581.1, NM_001407582.1, NM_001407583.1 and 30 more transcripts); c.3181G>A, p.Gly1061Ser (NM_001407587.1, NM_001407590.1, NM_001407591.1 and 22 more transcripts); c.644-1315G>A (NM_001408465.1, NM_001408463.1, NM_001408462.1 and 3 more transcripts); c.578-1315G>A (NM_001408482.1, NM_001408484.1, NM_001408478.1 and 9 more transcripts); c.521-1315G>A (NM_001408504.1, NM_001408503.1, NM_001408505.1); c.524-1315G>A (NM_001408499.1, NM_001408498.1, NM_001408501.1 and 3 more transcripts); c.671-1315G>A (NM_001408422.1, NM_001408418.1, NM_001408423.1 and 2 more transcripts); and 41 more; short protein forms G1062S, G1015S, G1021S, G1020S, G1059S, G766S, G950S, G973S.
Identifiers: ClinVar variation 628537 (VCV000628537.19), dbSNP rs1567792594, ClinGen allele CA10595619.
Genomic context (GRCh38, chr17:43,092,347, plus strand): 5'-CATTCAATTTTGGCCCTCTGTTTCTACCTAGTTCTGCTTGAATGTTTTCATCACTGGAAC[C>T]TATTTCATTAATACTGGAGCCCACTTCATTAGTACTGGAACCTACTTCATTAATATTGCT-3'
Protein context (NP_009225.1, residues 1052-1072): NEVGSSINEI[Gly1062Ser]SSDENIQAEL

ClinVar aggregate classification (germline): Conflicting classifications of pathogenicity. Review status: criteria provided, conflicting classifications (1 of 4 stars). 3 submissions from 3 submitters: Uncertain significance (2); Likely benign (1). Last evaluated 2025-03-25.

Conditions:
Hereditary cancer-predisposing syndrome. Also called: Neoplastic Syndromes, Hereditary; Tumor predisposition; Hereditary neoplastic syndrome; Hereditary Cancer Syndrome. Identifiers: Orphanet 140162, MedGen C0027672, MeSH D009386, MONDO:0015356.
Hereditary breast ovarian cancer syndrome. Also called: Hereditary breast and ovarian cancer syndrome; Hereditary breast and ovarian cancer; Hereditary breast and ovarian cancer syndrome (HBOC); Breast and ovarian cancer; Hereditary breast and/or ovarian cancer syndrome; BRCA1- and BRCA2-Associated Hereditary Breast and Ovarian Cancer. Identifiers: Orphanet 145, MedGen C0677776, MeSH D061325, MONDO:0003582. Disease mechanism: loss of function.

Submissions (3):

Labcorp Genetics (formerly Invitae), Labcorp
Classification: Uncertain significance for Hereditary breast ovarian cancer syndrome. Last evaluated: 2025-03-25. Review status: criteria provided, single submitter. Criteria: Invitae Variant Classification Sherloc (09022015). Collection method: clinical testing. Allele origin: germline.
Comment: This sequence change replaces glycine, which is neutral and non-polar, with serine, which is neutral and polar, at codon 1062 of the BRCA1 protein (p.Gly1062Ser). This variant is not present in population databases (gnomAD no frequency). This variant has not been reported in the literature in individuals affected with BRCA1-related conditions. ClinVar contains an entry for this variant (Variation ID: 628537). Invitae Evidence Modeling of protein sequence and biophysical properties (such as structural, functional, and spatial information, amino acid conservation, physicochemical variation, residue mobility, and thermodynamic stability) indicates that this missense variant is not expected to disrupt BRCA1 protein function with a negative predictive value of 95%. In summary, the available evidence is currently insufficient to determine the role of this variant in disease. Therefore, it has been classified as a Variant of Uncertain Significance.

University of Washington Department of Laboratory Medicine, University of Washington
Classification: Likely benign for Hereditary cancer-predisposing syndrome. Last evaluated: 2023-03-23. Review status: criteria provided, single submitter. Criteria: Dines et al. (Genet Med. 2020). Collection method: curation. Allele origin: germline.
Comment: Missense variant in a coldspot region where missense variants are very unlikely to be pathogenic (PMID:31911673).

BRCA1 coldspot (exon 11 using historical exon numbering). Reclassification based on statistical prior probability

Color Diagnostics, LLC DBA Color Health
Classification: Uncertain significance for Hereditary cancer-predisposing syndrome. Last evaluated: 2022-01-24. Review status: criteria provided, single submitter. Criteria: ACMG Guidelines, 2015. Collection method: clinical testing. Allele origin: germline.
Comment: This missense variant replaces glycine with serine at codon 1062 of the BRCA1 protein. Computational prediction is inconclusive regarding the impact of this variant on protein structure and function (internally defined REVEL score threshold 0.5 < inconclusive < 0.7, PMID: 27666373). To our knowledge, functional studies have not been reported for this variant. This variant has not been reported in individuals affected with hereditary cancer in the literature. This variant has not been identified in the general population by the Genome Aggregation Database (gnomAD). The available evidence is insufficient to determine the role of this variant in disease conclusively. Therefore, this variant is classified as a Variant of Uncertain Significance.